The following is an entry in ClinVar:

ClinVar aggregate classification (germline): Uncertain significance (1 of 4 stars; one submission).

Conditions:
Hereditary cancer-predisposing syndrome. Also called: Hereditary Cancer Syndrome; Tumor predisposition; Hereditary neoplastic syndrome; Neoplastic Syndromes, Hereditary. Identifiers: Orphanet 140162, MedGen C0027672, MeSH D009386, MONDO:0015356.

Submission:

Ambry Genetics
Classification: Uncertain significance for Hereditary cancer-predisposing syndrome. Last evaluated: 2024-09-25. Review status: criteria provided, single submitter. Criteria: Ambry Variant Classification Scheme 2023. Collection method: clinical testing. Allele origin: germline.
Comment: The p.R384S variant (also known as c.1152A>T), located in coding exon 1 of the MET gene, results from an A to T substitution at nucleotide position 1152. The arginine at codon 384 is replaced by serine, an amino acid with dissimilar properties. This amino acid position is not well conserved in available vertebrate species. In addition, this alteration is predicted to be tolerated by in silico analysis. Based on the available evidence, the clinical significance of this variant remains unclear.

NM_000245.4(MET):c.1152A>T (p.Arg384Ser)

Gene: MET (MET proto-oncogene, receptor tyrosine kinase; plus strand). Cytogenetic location: 7q31.2.
Variant type: single nucleotide variant.
Coding change: c.1152A>T on transcript NM_000245.4 (MANE Select); coding-DNA position 1152, A replaced by T.
Protein change: p.Arg384Ser; replaces arginine 384 with serine.
Molecular consequence: missense variant. On other transcripts: intron variant (1).
Genome position (GRCh38, 1-based): chr7:116,700,236, A>T. VCF-style: chr7-116700236-A-T. GRCh37 (hg19) VCF-style: chr7-116340290-A-T.
Other names: c.1152A>T, p.Arg384Ser (NM_001127500.3, NM_001324401.3); c.-91+27659A>T (NM_001324402.2); short protein forms R384S.
Identifiers: ClinVar variation 3395151 (VCV003395151.1).